The following is an entry in ClinVar:

NM_014795.4(ZEB2):c.593-239A>C

Gene: ZEB2 (zinc finger E-box binding homeobox 2; minus strand). Cytogenetic location: 2q22.3.
Variant type: single nucleotide variant.
Coding change: c.593-239A>C on transcript NM_014795.4 (MANE Select); 239 bases into the intron before coding-DNA position 593, A replaced by C.
Molecular consequence: intron variant.
Genome position (GRCh38, 1-based): chr2:144,404,369, T>G on the plus strand (A>C on the coding strand, the complement: ZEB2 is on the minus strand). VCF-style: chr2-144404369-T-G. GRCh37 (hg19) VCF-style: chr2-145161936-T-G.
Other names: c.521-239A>C (NM_001171653.2).
Identifiers: ClinVar variation 670341 (VCV000670341.1), dbSNP rs112431440, ClinGen allele CA16114789.

ClinVar aggregate classification (germline): Benign (1 of 4 stars; one submission).

Allele frequency attached by ClinVar (database versions not stated): gnomAD 0.45546 and 0.45638.
gnomAD v4.1: 28,290 of 62,180 alleles (45%); highest among the groups gnomAD compares: African/African-American, 55%; 3,596 homozygotes.

Submission:

GeneDx
Classification: Benign. Last evaluated: 2018-06-19. Review status: criteria provided, single submitter. Criteria: GeneDx Variant Classification (06012015). Collection method: clinical testing. Allele origin: germline. Affected: yes.
Comment: This variant is considered likely benign or benign based on one or more of the following criteria: it is a conservative change, it occurs at a poorly conserved position in the protein, it is predicted to be benign by multiple in silico algorithms, and/or has population frequency not consistent with disease.